The following is an entry in ClinVar:

NM_001042492.3(NF1):c.1157T>C (p.Ile386Thr)

Gene: NF1 (neurofibromin 1; plus strand). Cytogenetic location: 17q11.2.
Variant type: single nucleotide variant.
Coding change: c.1157T>C on transcript NM_001042492.3 (MANE Select); coding-DNA position 1157, T replaced by C.
Protein change: p.Ile386Thr; replaces isoleucine 386 with threonine.
Molecular consequence: missense variant.
Genome position (GRCh38, 1-based): chr17:31,201,131, T>C. VCF-style: chr17-31201131-T-C. GRCh37 (hg19) VCF-style: chr17-29528149-T-C.
Other names: c.1157T>C, p.Ile386Thr (NM_000267.4, NM_001128147.3); short protein forms I386T.
Identifiers: ClinVar variation 1475846 (VCV001475846.8), dbSNP rs2143880084, ClinGen allele CA398997167.

ClinVar aggregate classification (germline): Uncertain significance (1 of 4 stars; one submission).

Conditions:
Neurofibromatosis, type 1 (NF1). Also called: Neurofibromatosis, type I; VON RECKLINGHAUSEN DISEASE; NEUROFIBROMATOSIS, TYPE I, SOMATIC; Peripheral type neurofibromatosis. Identifiers: Orphanet 636, MedGen C0027831, MONDO:0018975, OMIM 162200. Disease mechanism: loss of function.

Submission:

Labcorp Genetics (formerly Invitae), Labcorp
Classification: Uncertain significance for Neurofibromatosis, type 1. Last evaluated: 2020-12-17. Review status: criteria provided, single submitter. Criteria: Invitae Variant Classification Sherloc (09022015). Collection method: clinical testing. Allele origin: germline.
Comment: Advanced modeling of protein sequence and biophysical properties (such as structural, functional, and spatial information, amino acid conservation, physicochemical variation, residue mobility, and thermodynamic stability) performed at Invitae indicates that this missense variant is expected to disrupt NF1 protein function. In summary, the available evidence is currently insufficient to determine the role of this variant in disease. Therefore, it has been classified as a Variant of Uncertain Significance. This variant has not been reported in the literature in individuals with NF1-related conditions. This variant is not present in population databases (ExAC no frequency). This sequence change replaces isoleucine with threonine at codon 386 of the NF1 protein (p.Ile386Thr). The isoleucine residue is highly conserved and there is a moderate physicochemical difference between isoleucine and threonine.